The following is an entry in ClinVar:

NM_000548.5(TSC2):c.3646C>T (p.Leu1216Phe)

Gene: TSC2 (TSC complex subunit 2; plus strand). Cytogenetic location: 16p13.3.
Variant type: single nucleotide variant.
Coding change: c.3646C>T on transcript NM_000548.5 (MANE Select); coding-DNA position 3646, C replaced by T.
Protein change: p.Leu1216Phe; replaces leucine 1216 with phenylalanine.
Molecular consequence: missense variant.
Genome position (GRCh38, 1-based): chr16:2,081,630, C>T. VCF-style: chr16-2081630-C-T. GRCh37 (hg19) VCF-style: chr16-2131631-C-T.
Other names: c.3514C>T, p.Leu1172Phe (NM_001077183.3, NM_001370404.1, NM_001406665.1); c.3646C>T, p.Leu1216Phe (NM_001114382.3); c.3406C>T, p.Leu1136Phe (NM_001318827.2); c.3370C>T, p.Leu1124Phe (NM_001318829.2); c.2914C>T, p.Leu972Phe (NM_001318831.2, NM_001406687.1, NM_001406688.1); c.3547C>T, p.Leu1183Phe (NM_001318832.2); c.3517C>T, p.Leu1173Phe (NM_001363528.2, NM_001370405.1, NM_021055.3); c.3643C>T, p.Leu1215Phe (NM_001406663.1, NM_001406664.1); and 18 more; short protein forms L1167F, L1168F, L1169F, L1172F, L1173F, L1179F, L1183F, L1202F.
Identifiers: ClinVar variation 1715087 (VCV001715087.8), dbSNP rs2544153972, ClinGen allele CA394291933.

ClinVar aggregate classification (germline): Uncertain significance. Review status: criteria provided, multiple submitters, no conflicts (2 of 4 stars). 2 submissions from 2 submitters: Uncertain significance (2). Last evaluated 2022-09-09.

Conditions:
Hereditary cancer-predisposing syndrome. Also called: Hereditary neoplastic syndrome; Tumor predisposition; Neoplastic Syndromes, Hereditary; Hereditary Cancer Syndrome. Identifiers: Orphanet 140162, MedGen C0027672, MeSH D009386, MONDO:0015356.
Tuberous sclerosis 2 (TSC2). Identifiers: Orphanet 805, MedGen C1860707, MONDO:0013199, OMIM 613254.

Allele frequency attached by ClinVar (database versions not stated): gnomAD exomes below 0.00001.
gnomAD v4.1: 1 of 1,612,912 alleles (0.000062%); highest among the groups gnomAD compares: Non-Finnish European, 0.000085%; no homozygotes.

Submissions (2):

Labcorp Genetics (formerly Invitae), Labcorp
Classification: Uncertain significance for Tuberous sclerosis 2. Last evaluated: 2022-09-09. Review status: criteria provided, single submitter. Criteria: Invitae Variant Classification Sherloc (09022015). Collection method: clinical testing. Allele origin: germline.
Comment: In summary, the available evidence is currently insufficient to determine the role of this variant in disease. Therefore, it has been classified as a Variant of Uncertain Significance. Advanced modeling of protein sequence and biophysical properties (such as structural, functional, and spatial information, amino acid conservation, physicochemical variation, residue mobility, and thermodynamic stability) performed at Invitae indicates that this missense variant is not expected to disrupt TSC2 protein function. This variant has not been reported in the literature in individuals affected with TSC2-related conditions. This variant is not present in population databases (gnomAD no frequency). This sequence change replaces leucine, which is neutral and non-polar, with phenylalanine, which is neutral and non-polar, at codon 1216 of the TSC2 protein (p.Leu1216Phe).

Ambry Genetics
Classification: Uncertain significance for Hereditary cancer-predisposing syndrome. Last evaluated: 2022-03-07. Review status: criteria provided, single submitter. Criteria: Ambry Variant Classification Scheme 2023. Collection method: clinical testing. Allele origin: germline.
Comment: The p.L1216F variant (also known as c.3646C>T), located in coding exon 30 of the TSC2 gene, results from a C to T substitution at nucleotide position 3646. The leucine at codon 1216 is replaced by phenylalanine, an amino acid with highly similar properties. This amino acid position is conserved. In addition, the in silico prediction for this alteration is inconclusive. Since supporting evidence is limited at this time, the clinical significance of this alteration remains unclear.